The following is an entry in ClinVar:

ClinVar aggregate classification (germline): Uncertain significance. Review status: criteria provided, multiple submitters, no conflicts (2 of 4 stars). 2 submissions from 2 submitters: Uncertain significance (2). Last evaluated 2022-11-12.

Allele frequency attached by ClinVar (database versions not stated): ExAC 0.00001.
gnomAD v4.1: 8 of 1,614,006 alleles (0.0005%); highest among the groups gnomAD compares: Middle Eastern, 0.016%; no homozygotes.

Submissions (2):

Labcorp Genetics (formerly Invitae), Labcorp
Classification: Uncertain significance. Last evaluated: 2022-11-12. Review status: criteria provided, single submitter. Criteria: Invitae Variant Classification Sherloc (09022015). Collection method: clinical testing. Allele origin: germline.
Comment: This sequence change replaces valine, which is neutral and non-polar, with leucine, which is neutral and non-polar, at codon 505 of the BEST1 protein (p.Val505Leu). This variant is present in population databases (rs770903094, gnomAD 0.0009%). This variant has not been reported in the literature in individuals affected with BEST1-related conditions. Algorithms developed to predict the effect of missense changes on protein structure and function output the following: SIFT: "Tolerated"; PolyPhen-2: "Benign"; Align-GVGD: "Class C0". The leucine amino acid residue is found in multiple mammalian species, which suggests that this missense change does not adversely affect protein function. In summary, the available evidence is currently insufficient to determine the role of this variant in disease. Therefore, it has been classified as a Variant of Uncertain Significance.

GeneDx
Classification: Uncertain significance. Last evaluated: 2022-04-07. Review status: criteria provided, single submitter. Criteria: GeneDx Variant Classification Process June 2021. Collection method: clinical testing. Allele origin: germline. Affected: yes.
Comment: Not observed at significant frequency in large population cohorts (gnomAD); In silico analysis supports that this missense variant does not alter protein structure/function; Has not been previously published as pathogenic or benign to our knowledge

NM_004183.4(BEST1):c.1513G>C (p.Val505Leu)

Gene: BEST1 (bestrophin 1; plus strand). Cytogenetic location: 11q12.3.
Variant type: single nucleotide variant.
Coding change: c.1513G>C on transcript NM_004183.4 (MANE Select); coding-DNA position 1513, G replaced by C.
Protein change: p.Val505Leu; replaces valine 505 with leucine.
Molecular consequence: missense variant. On other transcripts: non-coding transcript variant (1).
Genome position (GRCh38, 1-based): chr11:61,962,667, G>C. VCF-style: chr11-61962667-G-C. GRCh37 (hg19) VCF-style: chr11-61730139-G-C.
Other names: c.1333G>C, p.Val445Leu (NM_001139443.3, NM_001300787.2); c.1252G>C, p.Val418Leu (NM_001300786.2); c.1195G>C, p.Val399Leu (NM_001363591.3); c.*408G>C (NM_001363592.2); c.541G>C, p.Val181Leu (NM_001363593.3); short protein forms V181L, V399L, V418L, V445L, V505L.
Identifiers: ClinVar variation 1723861 (VCV001723861.5), dbSNP rs770903094, ClinGen allele CA6041071.
Genomic context (GRCh38, chr11:61,962,667, plus strand): 5'-GCGCCGTCAAAGCTTCACAGTGTCACAGGCATAGACACCAAAGACAAAAGCTTAAAGACT[G>C]TGAGTTCTGGGGCCAAGAAAAGTTTTGAATTGCTCTCAGAGAGCGATGGGGCCTTGATGG-3'
Protein context (NP_004174.1, residues 495-515): IDTKDKSLKT[Val505Leu]SSGAKKSFEL